The following is an entry in ClinVar:

NM_005548.3(KARS1):c.916-10T>G

Gene: KARS1 (lysyl-tRNA synthetase 1; minus strand). Cytogenetic location: 16q23.1.
Variant type: single nucleotide variant.
Coding change: c.916-10T>G on transcript NM_005548.3 (MANE Select); 10 bases into the intron before coding-DNA position 916, T replaced by G.
Molecular consequence: intron variant.
Genome position (GRCh38, 1-based): chr16:75,631,865, A>C on the plus strand (T>G on the coding strand, the complement: KARS1 is on the minus strand). VCF-style: chr16-75631865-A-C. GRCh37 (hg19) VCF-style: chr16-75665763-A-C.
Other names: c.1000-10T>G (NM_001130089.2); c.448-10T>G (NM_001378148.1).
Identifiers: ClinVar variation 1682430 (VCV001682430.9), dbSNP rs370331546, ClinGen allele CA8177434.

ClinVar aggregate classification (germline): Likely benign. Review status: criteria provided, multiple submitters, no conflicts (2 of 4 stars). 2 submissions from 2 submitters: Likely benign (2). Last evaluated 2025-01-16.

Conditions:
KARS1-related disorder. Also called: KARS1-related disorders.

Allele frequency attached by ClinVar (database versions not stated): ExAC 0.00001; gnomAD exomes 0.00002 and 0.00011; gnomAD 0.00004; TOPMed 0.00007; ESP Exome Variant Server 0.00008.
gnomAD v4.1: 156 of 1,613,094 alleles (0.0097%); highest among the groups gnomAD compares: Non-Finnish European, 0.013%; no homozygotes.

Submissions (2):

PreventionGenetics, part of Exact Sciences
Classification: Likely benign for KARS1-related condition. Last evaluated: 2025-01-16. Review status: criteria provided, single submitter. Criteria: ACMG Guidelines, 2015. Collection method: clinical testing. Allele origin: germline.
Comment: This variant is classified as likely benign based on ACMG/AMP sequence variant interpretation guidelines (Richards et al. 2015 PMID: 25741868, with internal and published modifications).

Labcorp Genetics (formerly Invitae), Labcorp
Classification: Likely benign. Last evaluated: 2023-06-17. Review status: criteria provided, single submitter. Criteria: Invitae Variant Classification Sherloc (09022015). Collection method: clinical testing. Allele origin: germline.